The following is an entry in ClinVar:

NM_001317778.2(SFTPC):c.163C>T (p.Leu55Phe)

Gene: SFTPC (surfactant protein C; plus strand). Cytogenetic location: 8p21.3.
Variant type: single nucleotide variant.
Coding change: c.163C>T on transcript NM_001317778.2 (MANE Select); coding-DNA position 163, C replaced by T.
Protein change: p.Leu55Phe; replaces leucine 55 with phenylalanine.
Molecular consequence: missense variant. On other transcripts: intron variant (1).
Genome position (GRCh38, 1-based): chr8:22,162,694, C>T. VCF-style: chr8-22162694-C-T. GRCh37 (hg19) VCF-style: chr8-22020207-C-T.
Other names: c.163C>T, p.Leu55Phe (NM_001172357.2, NM_001172410.2, NM_001317780.2 and 1 more transcripts); c.43-386C>T (NM_001317779.2); c.163C>T (NM_003018.3); short protein forms L55F.
Identifiers: ClinVar variation 598978 (VCV000598978.5), dbSNP rs1563221666, ClinGen allele CA370536923.

ClinVar aggregate classification (germline): Likely pathogenic. Review status: criteria provided, multiple submitters, no conflicts (2 of 4 stars). 2 submissions from 2 submitters: Likely pathogenic (2). Last evaluated 2022-10-19.

Conditions:
SFTPC-related disorder. Also called: SFTPC-related condition.

Submissions (2):

PreventionGenetics, part of Exact Sciences
Classification: Likely pathogenic for SFTPC-related condition. Last evaluated: 2022-10-19. Review status: criteria provided, single submitter. Criteria: ACMG Guidelines, 2015. Collection method: clinical testing. Allele origin: germline.
Comment: The SFTPC c.163C>T variant is predicted to result in the amino acid substitution p.Leu55Phe. This variant was reported to occur de novo in an individual with interstitial lung disease and was shown to impact protein localization (Liu et al 2016. PubMed ID: 26375473). In another study, this variant was also reported as likely pathogenic and was apparently maternally-inherited. The patient presented with respiratory distress, muscle weakness, hypotonia, and interstitial lung disease (Patient 109, Supplemental Table 2 and Table 1, Ji et al 2019. PubMed ID: 30755392). This variant has not been reported in a large population database, indicating this variant is rare. Taken together, this variant is interpreted as likely pathogenic.

Center for Personalized Medicine, Children's Hospital Los Angeles
Classification: Likely pathogenic. Last evaluated: 2018-11-19. Review status: criteria provided, single submitter. Criteria: ACMG Guidelines, 2015. Collection method: clinical testing. Allele origin: germline. Affected: yes.